The following is an entry in ClinVar:

ClinVar aggregate classification (germline): Likely benign. Review status: criteria provided, multiple submitters, no conflicts (2 of 4 stars). 3 submissions from 3 submitters: Likely benign (2). 1 of the submissions does not count toward it. Last evaluated 2026-04-01.

Conditions:
SPEN-related disorder. Also called: SPEN-related condition.

Allele frequency attached by ClinVar (database versions not stated): gnomAD exomes 0.00072; ExAC 0.00129; gnomAD 0.00344; ESP Exome Variant Server 0.00354; TOPMed 0.00365; 1000 Genomes Project 0.00539; 1000 Genomes Project 30x 0.00547.
gnomAD v4.1: 1,596 of 1,605,294 alleles (0.099%); highest among the groups gnomAD compares: African/African-American, 0.98%; 7 homozygotes.

Submissions (3):

CeGaT Center for Human Genetics Tuebingen
Classification: Likely benign. Last evaluated: 2026-04-01. Review status: criteria provided, single submitter. Criteria: CeGaT Center For Human Genetics Tuebingen Variant Classification Criteria Version 2. Collection method: clinical testing. Allele origin: germline. Affected: yes. Observed: 6 variant alleles.
Comment: SPEN: BP4, BP7

Blueprint Genetics
Classification: Likely benign. Last evaluated: 2024-11-25. Review status: criteria provided, single submitter. Criteria: ACMG Guidelines, 2015. Collection method: clinical testing. Allele origin: germline.

PreventionGenetics, part of Exact Sciences
Classification: Benign for SPEN-related condition. Last evaluated: 2019-06-14. Review status: no assertion criteria provided. Collection method: clinical testing. Allele origin: germline. Not counted in ClinVar's aggregate classification.
Comment: This variant is classified as benign based on ACMG/AMP sequence variant interpretation guidelines (Richards et al. 2015 PMID: 25741868, with internal and published modifications).

NM_015001.3(SPEN):c.1602A>T (p.Thr534=)

Gene: SPEN (spen family transcriptional repressor; plus strand). Cytogenetic location: 1p36.13.
Variant type: single nucleotide variant.
Coding change: c.1602A>T on transcript NM_015001.3 (MANE Select); coding-DNA position 1602, A replaced by T.
Protein change: p.Thr534=; no amino-acid change (threonine 534 retained).
Molecular consequence: synonymous variant.
Genome position (GRCh38, 1-based): chr1:15,919,484, A>T. VCF-style: chr1-15919484-A-T. GRCh37 (hg19) VCF-style: chr1-16245979-A-T.
Other names: c.1602A>T (NM_015001.2).
Identifiers: ClinVar variation 2638303 (VCV002638303.26), dbSNP rs150287716, ClinGen allele CA619088.
Genomic context (GRCh38, chr1:15,919,484, plus strand): 5'-GCCTACAAACTGCGTGTGGCTAGATGGGCTTTCTTCGAATGTGTCAGATCAGTATTTAAC[A>T]CGACATTTCTGCCGATATGGGCCTGTGGTAAAGGTAGGCGGGAGGTTTTGGTATGTGGTT-3'
Protein context (NP_055816.2, residues 524-544): LSSNVSDQYL[Thr534=]RHFCRYGPVV